The following is an entry in ClinVar:

NC_000004.11:g.(?_493125)_(499736_?)dup

Genes: PIGG (phosphatidylinositol glycan anchor biosynthesis class G (EMM blood group); plus strand), ZNF721 (zinc finger protein 721; minus strand). Cytogenetic location: 4p16.3.
Variant type: Duplication.
Identifiers: ClinVar variation 2423748 (VCV002423748.5).

ClinVar aggregate classification (germline): Uncertain significance (1 of 4 stars; one submission).

Conditions:
Intellectual disability, autosomal recessive 53 (NEDHSCA). Also called: GLYCOSYLPHOSPHATIDYLINOSITOL BIOSYNTHESIS DEFECT 13; Mental retardation, autosomal recessive 53; NEURODEVELOPMENTAL DISORDER WITH OR WITHOUT HYPOTONIA, SEIZURES, AND CEREBELLAR ATROPHY. Identifiers: Orphanet 488635, MedGen C4310794, MONDO:0014832, OMIM 616917.

Submission:

Labcorp Genetics (formerly Invitae), Labcorp
Classification: Uncertain significance for Intellectual disability, autosomal recessive 53. Last evaluated: 2022-09-07. Review status: criteria provided, single submitter. Criteria: Invitae Variant Classification Sherloc (09022015). Collection method: clinical testing. Allele origin: germline.
Comment: This variant results in a copy number gain of the genomic region encompassing exon(s) 1-3 of the PIGG gene. This region includes the initiator codon of the gene. This copy number gain extends beyond the assayed region for this gene and therefore may encompass additional genes. As the precise location of this event is unknown, it may be in tandem or it may be located elsewhere in the genome. This variant has not been reported in the literature in individuals affected with PIGG-related conditions. In summary, the available evidence is currently insufficient to determine the role of this variant in disease. Therefore, it has been classified as a Variant of Uncertain Significance.